The following is an entry in ClinVar:

ClinVar aggregate classification (germline): Uncertain significance (1 of 4 stars; one submission).

Conditions:
Congenital myasthenic syndrome 12 (CMS12). Also called: MYASTHENIC SYNDROME, CONGENITAL, WITH TUBULAR AGGREGATES 1; Myasthenia, congenital, 12, with tubular aggregates. Identifiers: Orphanet 353327, Orphanet 590, MedGen C3552335, MONDO:0012518, OMIM 610542.

Submission:

Labcorp Genetics (formerly Invitae), Labcorp
Classification: Uncertain significance for Congenital myasthenic syndrome 12. Last evaluated: 2019-10-29. Review status: criteria provided, single submitter. Criteria: Invitae Variant Classification Sherloc (09022015). Collection method: clinical testing. Allele origin: germline.
Comment: This sequence change replaces glycine with serine at codon 39 of the GFPT1 protein (p.Gly39Ser). The glycine residue is highly conserved and there is a small physicochemical difference between glycine and serine. This variant also falls at the last nucleotide of exon 2 of the GFPT1 coding sequence, which is part of the consensus splice site for this exon. This variant is not present in population databases (ExAC no frequency). This variant has not been reported in the literature in individuals with GFPT1-related conditions. Algorithms developed to predict the effect of missense changes on protein structure and function are either unavailable or do not agree on the potential impact of this missense change (SIFT: "Deleterious"; PolyPhen-2: "Probably Damaging"; Align-GVGD: "Class C0"). Nucleotide substitutions within the consensus splice site are a relatively common cause of aberrant splicing (PMID: 17576681, 9536098). Algorithms developed to predict the effect of sequence changes on RNA splicing suggest that this variant may disrupt the consensus splice site, but this prediction has not been confirmed by published transcriptional studies. In summary, the available evidence is currently insufficient to determine the role of this variant in disease. Therefore, it has been classified as a Variant of Uncertain Significance.

Literature cited by the submitters: PubMed 17576681; PubMed 9536098.

NM_001244710.2(GFPT1):c.115G>A (p.Gly39Ser)

Gene: GFPT1 (glutamine--fructose-6-phosphate transaminase 1; minus strand). Cytogenetic location: 2p13.3.
Variant type: single nucleotide variant.
Coding change: c.115G>A on transcript NM_001244710.2 (MANE Select); coding-DNA position 115, G replaced by A.
Protein change: p.Gly39Ser; replaces glycine 39 with serine.
Molecular consequence: missense variant.
Genome position (GRCh38, 1-based): chr2:69,374,006, C>T on the plus strand (G>A on the coding strand, the complement: GFPT1 is on the minus strand). VCF-style: chr2-69374006-C-T. GRCh37 (hg19) VCF-style: chr2-69601138-C-T.
Other names: c.115G>A, p.Gly39Ser (NM_002056.4); short protein forms G39S.
Identifiers: ClinVar variation 943692 (VCV000943692.9), dbSNP rs1671812593, ClinGen allele CA347134960.